The following is an entry in ClinVar:

NM_012062.5(DNM1L):c.422A>G (p.Asn141Ser)

Gene: DNM1L (dynamin 1L; plus strand). Cytogenetic location: 12p11.21.
Variant type: single nucleotide variant.
Coding change: c.422A>G on transcript NM_012062.5 (MANE Select); coding-DNA position 422, A replaced by G.
Protein change: p.Asn141Ser; replaces asparagine 141 with serine.
Molecular consequence: missense variant. On other transcripts: intron variant (1).
Genome position (GRCh38, 1-based): chr12:32,710,981, A>G. VCF-style: chr12-32710981-A-G. GRCh37 (hg19) VCF-style: chr12-32863915-A-G.
Other names: p.N141S:AAT>AGT; c.422A>G, p.Asn141Ser (NM_001278463.2, NM_005690.5, NM_012063.4); c.461A>G, p.Asn154Ser (NM_001278464.2, NM_001278465.2, NM_001330380.2); c.131+3568A>G (NM_001278466.2); short protein forms N141S, N154S.
Identifiers: ClinVar variation 214309 (VCV000214309.42), dbSNP rs138620818, ClinGen allele CA322062.

ClinVar aggregate classification (germline): Conflicting classifications of pathogenicity. Review status: criteria provided, conflicting classifications (1 of 4 stars). 4 submissions from 4 submitters: Uncertain significance (2); Likely benign (2). Last evaluated 2025-11-30.

Allele frequency attached by ClinVar (database versions not stated): gnomAD 0.00013 and 0.00014; TOPMed 0.00013; gnomAD exomes 0.00015 and 0.00018; ExAC 0.00021; ESP Exome Variant Server 0.00054.
gnomAD v4.1: 234 of 1,613,906 alleles (0.014%); highest among the groups gnomAD compares: Non-Finnish European, 0.015%; no homozygotes.

Submissions (4):

Labcorp Genetics (formerly Invitae), Labcorp
Classification: Uncertain significance. Last evaluated: 2025-11-30. Review status: criteria provided, single submitter. Criteria: Invitae Variant Classification Sherloc (09022015). Collection method: clinical testing. Allele origin: germline.
Comment: This sequence change replaces asparagine, which is neutral and polar, with serine, which is neutral and polar, at codon 141 of the DNM1L protein (p.Asn141Ser). This variant is present in population databases (rs138620818, gnomAD 0.1%). This variant has not been reported in the literature in individuals affected with DNM1L-related conditions. ClinVar contains an entry for this variant (Variation ID: 214309). An algorithm developed to predict the effect of missense changes on protein structure and function (PolyPhen-2) suggests that this variant is likely to be disruptive. In summary, the available evidence is currently insufficient to determine the role of this variant in disease. Therefore, it has been classified as a Variant of Uncertain Significance.

Blueprint Genetics
Classification: Likely benign. Last evaluated: 2024-11-14. Review status: criteria provided, single submitter. Criteria: ACMG Guidelines, 2015. Collection method: clinical testing. Allele origin: germline.

CeGaT Center for Human Genetics Tuebingen
Classification: Uncertain significance. Last evaluated: 2024-11-01. Review status: criteria provided, single submitter. Criteria: CeGaT Center For Human Genetics Tuebingen Variant Classification Criteria Version 2. Collection method: clinical testing. Allele origin: germline. Affected: yes. Observed: 3 variant alleles.
Comment: DNM1L: PP2

GeneDx
Classification: Likely benign. Last evaluated: 2017-04-07. Review status: criteria provided, single submitter. Criteria: GeneDx Variant Classification (06012015). Collection method: clinical testing. Allele origin: germline. Affected: yes.
Comment: This variant is considered likely benign or benign based on one or more of the following criteria: it is a conservative change, it occurs at a poorly conserved position in the protein, it is predicted to be benign by multiple in silico algorithms, and/or has population frequency not consistent with disease.